The following is an entry in ClinVar:

ClinVar aggregate classification (germline): Benign. Review status: criteria provided, multiple submitters, no conflicts (2 of 4 stars). 2 submissions from 2 submitters: Benign (2). Last evaluated 2021-05-05.

Allele frequency attached by ClinVar (database versions not stated): 1000 Genomes Project 0.11082; 1000 Genomes Project 30x 0.11321; TOPMed 0.11462; gnomAD 0.11649 and 0.11934; ESP Exome Variant Server 0.11975.

Submissions (2):

GeneDx
Classification: Benign. Last evaluated: 2021-05-05. Review status: criteria provided, single submitter. Criteria: GeneDx Variant Classification Process June 2021. Collection method: clinical testing. Allele origin: germline. Affected: yes.
Comment: This variant is associated with the following publications: (PMID: 19029225, 18951670)

Breakthrough Genomics
Classification: Benign. Review status: criteria provided, single submitter. Criteria: ACMG Guidelines, 2015. Collection method: not provided. Allele origin: germline. Inheritance: Unknown mechanism. Affected: yes.

NM_022911.3(SLC26A6):c.616G>A (p.Val206Met)

Gene: SLC26A6 (solute carrier family 26 member 6; minus strand). Cytogenetic location: 3p21.31.
Variant type: single nucleotide variant.
Coding change: c.616G>A on transcript NM_022911.3 (MANE Select); coding-DNA position 616, G replaced by A.
Protein change: p.Val206Met; replaces valine 206 with methionine.
Molecular consequence: missense variant. On other transcripts: intron variant (1).
Genome position (GRCh38, 1-based): chr3:48,632,014, C>T on the plus strand (G>A on the coding strand, the complement: SLC26A6 is on the minus strand). VCF-style: chr3-48632014-C-T. GRCh37 (hg19) VCF-style: chr3-48669447-C-T.
Other names: c.553G>A, p.Val185Met (NM_001040454.1); c.512G>A, p.Arg171His (NM_001281732.2); c.616G>A, p.Val206Met (NM_134263.3, NM_134426.3); c.434-217G>A (NM_001281733.2); short protein forms R171H, V185M, V206M.
Identifiers: ClinVar variation 1273557 (VCV001273557.2), dbSNP rs13324142, ClinGen allele CA2383113.